The following is an entry in ClinVar:

ClinVar aggregate classification (germline): Uncertain significance. Review status: criteria provided, multiple submitters, no conflicts (2 of 4 stars). 3 submissions from 3 submitters: Uncertain significance (3). Last evaluated 2025-12-18.

Conditions:
Inborn genetic diseases. Identifiers: MedGen C0950123, MeSH D030342.

Allele frequency attached by ClinVar (database versions not stated): gnomAD 0.00001; gnomAD exomes 0.00003; ExAC 0.00006.
gnomAD v4.1: 45 of 1,613,828 alleles (0.0028%); highest among the groups gnomAD compares: South Asian, 0.044%; no homozygotes.

Submissions (3):

Labcorp Genetics (formerly Invitae), Labcorp
Classification: Uncertain significance. Last evaluated: 2025-12-18. Review status: criteria provided, single submitter. Criteria: Invitae Variant Classification Sherloc (09022015). Collection method: clinical testing. Allele origin: germline.
Comment: This sequence change replaces valine, which is neutral and non-polar, with glycine, which is neutral and non-polar, at codon 224 of the DNAJC21 protein (p.Val224Gly). This variant is present in population databases (rs772821332, gnomAD 0.06%). This variant has not been reported in the literature in individuals affected with DNAJC21-related conditions. ClinVar contains an entry for this variant (Variation ID: 3084547). An algorithm developed to predict the effect of missense changes on protein structure and function (PolyPhen-2) suggests that this variant is likely to be disruptive. In summary, the available evidence is currently insufficient to determine the role of this variant in disease. Therefore, it has been classified as a Variant of Uncertain Significance.

Ambry Genetics
Classification: Uncertain significance for Inborn genetic diseases. Last evaluated: 2024-01-08. Review status: criteria provided, single submitter. Criteria: Ambry Variant Classification Scheme 2023. Collection method: clinical testing. Allele origin: germline.

Blueprint Genetics
Classification: Uncertain significance. Last evaluated: 2022-07-01. Review status: criteria provided, single submitter. Criteria: ACMG Guidelines, 2015. Collection method: clinical testing. Allele origin: germline.

NM_001012339.3(DNAJC21):c.671T>G (p.Val224Gly)

Gene: DNAJC21 (DnaJ heat shock protein family (Hsp40) member C21; plus strand). Cytogenetic location: 5p13.2.
Variant type: single nucleotide variant.
Coding change: c.671T>G on transcript NM_001012339.3 (MANE Select); coding-DNA position 671, T replaced by G.
Protein change: p.Val224Gly; replaces valine 224 with glycine.
Molecular consequence: missense variant.
Genome position (GRCh38, 1-based): chr5:34,937,558, T>G. VCF-style: chr5-34937558-T-G. GRCh37 (hg19) VCF-style: chr5-34937663-T-G.
Other names: c.671T>G, p.Val224Gly (NM_001348420.2, NM_194283.4); short protein forms V224G.
Identifiers: ClinVar variation 3084547 (VCV003084547.3), dbSNP rs772821332, ClinGen allele CA3228519.